The following is an entry in ClinVar:

ClinVar aggregate classification (germline): Uncertain significance (1 of 4 stars; one submission).

Conditions:
Primary ciliary dyskinesia. Also called: Ciliary dyskinesia. Identifiers: Orphanet 244, MedGen C0008780, MONDO:0016575, HP:0012265.

Submission:

Labcorp Genetics (formerly Invitae), Labcorp
Classification: Uncertain significance for Primary ciliary dyskinesia. Last evaluated: 2025-01-02. Review status: criteria provided, single submitter. Criteria: Invitae Variant Classification Sherloc (09022015). Collection method: clinical testing. Allele origin: germline.
Comment: This sequence change replaces leucine, which is neutral and non-polar, with phenylalanine, which is neutral and non-polar, at codon 3908 of the DNAH8 protein (p.Leu3908Phe). This variant is not present in population databases (gnomAD no frequency). This variant has not been reported in the literature in individuals affected with DNAH8-related conditions. Invitae Evidence Modeling of protein sequence and biophysical properties (such as structural, functional, and spatial information, amino acid conservation, physicochemical variation, residue mobility, and thermodynamic stability) indicates that this missense variant is not expected to disrupt DNAH8 protein function with a negative predictive value of 80%. In summary, the available evidence is currently insufficient to determine the role of this variant in disease. Therefore, it has been classified as a Variant of Uncertain Significance.

NM_001206927.2(DNAH8):c.11722C>T (p.Leu3908Phe)

Genes: DNAH8 (dynein axonemal heavy chain 8; plus strand), DNAH8-AS1 (DNAH8 antisense RNA 1; minus strand). Cytogenetic location: 6p21.2.
Variant type: single nucleotide variant.
Coding change: c.11722C>T on transcript NM_001206927.2 (MANE Select); coding-DNA position 11722, C replaced by T.
Protein change: p.Leu3908Phe; replaces leucine 3908 with phenylalanine.
Molecular consequence: missense variant.
Genome position (GRCh38, 1-based): chr6:38,938,132, C>T. VCF-style: chr6-38938132-C-T. GRCh37 (hg19) VCF-style: chr6-38905908-C-T.
Other names: c.11071C>T, p.Leu3691Phe (NM_001371.4); short protein forms L3908F, L3691F.
Identifiers: ClinVar variation 3681992 (VCV003681992.2).